The following is an entry in ClinVar:

NM_001139.3(ALOX12B):c.403GAG[1] (p.Glu136del)

Gene: ALOX12B (arachidonate 12-lipoxygenase, 12R type; minus strand). Cytogenetic location: 17p13.1.
Variant type: Microsatellite.
Coding change: c.403GAG[1] on transcript NM_001139.3 (MANE Select); one copy of the 3-base unit GAG starting at c.403; the reference has two copies in a row; one copy, 3 bases deleted.
Protein change: p.Glu136del; deletes glutamic acid 136.
Molecular consequence: inframe deletion.
Genome position (GRCh38, 1-based): chr17:8,081,132-8,081,134, CTC deleted on the plus strand (GAG on the coding strand, the reverse complement: ALOX12B is on the minus strand); deleting any 3 consecutive bases within chr17:8,081,132-8,081,137 gives the same sequence; the position shown is the placement nearest the transcript's 3' end. VCF-style (leftmost placement, unchanged base first): chr17-8081131-TCTC-T. GRCh37 (hg19) VCF-style: chr17-7984449-TCTC-T.
Other names: c.406_408delGAG (NM_001139.2); short protein forms E136del.
Identifiers: ClinVar variation 1207726 (VCV001207726.14), dbSNP rs749617913, ClinGen allele CA8367685.

ClinVar aggregate classification (germline): Conflicting classifications of pathogenicity. Review status: criteria provided, conflicting classifications (1 of 4 stars). 4 submissions from 4 submitters: Pathogenic (2); Likely pathogenic (1); Uncertain significance (1). Last evaluated 2025-12-24.

Conditions:
Autosomal recessive congenital ichthyosis 2 (ARCI2). Identifiers: Orphanet 281122, Orphanet 79394, MedGen C3888093, MONDO:0009439, OMIM 242100.

Submissions (4):

Labcorp Genetics (formerly Invitae), Labcorp
Classification: Pathogenic. Last evaluated: 2025-12-24. Review status: criteria provided, single submitter. Criteria: Invitae Variant Classification Sherloc (09022015). Collection method: clinical testing. Allele origin: germline.
Comment: This variant, c.406_408del, results in the deletion of 1 amino acid(s) of the ALOX12B protein (p.Glu136del), but otherwise preserves the integrity of the reading frame. This variant is present in population databases (rs749617913, gnomAD 0.01%). This variant has been observed in individual(s) with congenital ichthyosis (PMID: 34851365, 36964972; internal data). In at least one individual the data is consistent with being in trans (on the opposite chromosome) from a pathogenic variant. It has also been observed to segregate with disease in related individuals. ClinVar contains an entry for this variant (Variation ID: 1207726). Experimental studies and prediction algorithms are not available or were not evaluated, and the functional significance of this variant is currently unknown. For these reasons, this variant has been classified as Pathogenic.

Dasa
Classification: Likely pathogenic for Autosomal recessive congenital ichthyosis 2. Last evaluated: 2025-10-15. Review status: criteria provided, single submitter. Criteria: DASA Assertion Criteria. Collection method: clinical testing. Allele origin: germline.
Comment: NM_001139.3(ALOX12B):c.406_408del (p.Glu136del) is an in-frame deletion predicted to remove glutamic acid at protein position 136 without shifting the reading frame. This variant has been recurrently observed in individuals with ALOX12B-related disorders (PMID: 36964972; PMID: 38588653). Also, this variant is rare in population databases. Based on the currently available evidence, this variant is classified as likely pathogenic.

GeneDx
Classification: Pathogenic. Last evaluated: 2024-02-26. Review status: criteria provided, single submitter. Criteria: GeneDx Variant Classification Process June 2021. Collection method: clinical testing. Allele origin: germline. Affected: yes.
Comment: In-frame deletion of 1 amino acid in a non-repeat region; In silico analysis, which includes protein predictors and evolutionary conservation, supports a deleterious effect; This variant is associated with the following publications: (PMID: Silva_2018, 36964972, 34851365)

Neuberg Centre For Genomic Medicine, NCGM
Classification: Uncertain significance for Autosomal recessive congenital ichthyosis 2. Last evaluated: 2023-05-20. Review status: criteria provided, single submitter. Criteria: ACMG Guidelines, 2015. Collection method: clinical testing. Allele origin: germline. Inheritance: Autosomal recessive inheritance. Affected: yes.
Comment: The observed missense variant c.406_408del(p.Glu136del) in ALOX12B gene has not been reported previously as a pathogenic variant nor as a benign variant, to our knowledge. The c.406_408del variant is reported with 0.003% allele frequency in gnomAD Exomes. This variant has been reported to the ClinVar database as Likely Pathogenic. However, no details are available for independent assessment.This p.Glu136del causes deletion of amino acid Glutamic Acid at position 136. For these reasons, this variant has been classified as Uncertain Significance.

Literature cited by the submitters: PubMed 34851365 (cited by Labcorp Genetics (formerly Invitae), Labcorp and Dasa); PubMed 36964972 (cited by Labcorp Genetics (formerly Invitae), Labcorp and Dasa); PubMed 38588653 (cited by Dasa).